The following is an entry in ClinVar:

ClinVar aggregate classification (germline): Uncertain significance (1 of 4 stars; one submission).

gnomAD v4.1: 2 of 1,614,118 alleles (0.00012%); highest among the groups gnomAD compares: East Asian, 0.0022%; no homozygotes.

Submission:

Labcorp Genetics (formerly Invitae), Labcorp
Classification: Uncertain significance. Last evaluated: 2025-11-23. Review status: criteria provided, single submitter. Criteria: Invitae Variant Classification Sherloc (09022015). Collection method: clinical testing. Allele origin: germline.
Comment: This sequence change replaces leucine, which is neutral and non-polar, with arginine, which is basic and polar, at codon 1258 of the FLNB protein (p.Leu1258Arg). This variant is present in population databases (rs777219769, gnomAD 0.006%). This variant has not been reported in the literature in individuals affected with FLNB-related conditions. Invitae Evidence Modeling of protein sequence and biophysical properties (such as structural, functional, and spatial information, amino acid conservation, physicochemical variation, residue mobility, and thermodynamic stability) indicates that this missense variant is not expected to disrupt FLNB protein function with a negative predictive value of 95%. In summary, the available evidence is currently insufficient to determine the role of this variant in disease. Therefore, it has been classified as a Variant of Uncertain Significance.

NM_001457.4(FLNB):c.3773T>G (p.Leu1258Arg)

Gene: FLNB (filamin B; plus strand). Cytogenetic location: 3p14.3.
Variant type: single nucleotide variant.
Coding change: c.3773T>G on transcript NM_001457.4 (MANE Select); coding-DNA position 3773, T replaced by G.
Protein change: p.Leu1258Arg; replaces leucine 1258 with arginine.
Molecular consequence: missense variant.
Genome position (GRCh38, 1-based): chr3:58,124,380, T>G. VCF-style: chr3-58124380-T-G. GRCh37 (hg19) VCF-style: chr3-58110107-T-G.
Other names: c.3773T>G, p.Leu1258Arg (NM_001164317.2, NM_001164318.2, NM_001164319.2); short protein forms L1258R.
Identifiers: ClinVar variation 4701259 (VCV004701259.1).